The following is an entry in ClinVar:

ClinVar aggregate classification (germline): Likely pathogenic (1 of 4 stars; one submission).

Conditions:
Hermansky-Pudlak syndrome 9 (HPS9). Identifiers: Orphanet 280663, Orphanet 79430, MedGen C3280026, MONDO:0013606, OMIM 614171.

Submission:

Neuberg Centre For Genomic Medicine, NCGM
Classification: Likely pathogenic for Hermansky-Pudlak syndrome 9. Review status: criteria provided, single submitter. Criteria: ACMG Guidelines, 2015. Collection method: clinical testing. Allele origin: germline. Inheritance: Autosomal recessive inheritance. Affected: yes.
Comment: The variant has not been reported previously as a pathogenic variant nor as a benign variant, to our knowledge. This variant causes a frameshift starting with codon Glycine 11, changes this amino acid to Aspartic acid residue, and creates a premature Stop codon at position 20 of the new reading frame, denoted p.Gly11AspfsTer20. The variant is novel (not in any individuals) in 1000 Genomes. Spasticity has not been reported previously with BLOC1S6. For these reasons, this variant has been classified as Likely pathogenic. .

NM_012388.4(BLOC1S6):c.32_34delinsA (p.Gly11fs)

Gene: BLOC1S6 (biogenesis of lysosomal organelles complex 1 subunit 6; plus strand). Cytogenetic location: 15q21.1.
Variant type: Indel.
Coding change: c.32_34delinsA on transcript NM_012388.4 (MANE Select); coding-DNA positions 32 to 34, GGG replaced by A.
Protein change: p.Gly11fs; shifts the reading frame from glycine 11.
Molecular consequence: frameshift variant. On other transcripts: non-coding transcript variant (5).
Genome position (GRCh38, 1-based): chr15:45,587,475-45,587,477, GGG replaced by A. VCF-style: chr15-45587475-GGG-A. GRCh37 (hg19) VCF-style: chr15-45879673-GGG-A.
Other names: short protein forms G11fs.
Identifiers: ClinVar variation 2584834 (VCV002584834.1), dbSNP rs2542261623, ClinGen allele CA2582342615.
Genomic context (GRCh38, chr15:45,587,475, plus strand): 5'-TTCTTCCCTGTGTTCCCAGCTGGAGGGACATGAGTGTCCCTGGGCCGTCGTCTCCGGACG[GGG>A]CCCTGACACGGCCACCCTACTGCCTGGAGGCCGGGGAGCCGACGCCTGGTACGTACTATC-3'